The following is an entry in ClinVar:

NM_006506.5(RASA2):c.1123G>T (p.Val375Phe)

Gene: RASA2 (RAS p21 protein activator 2; plus strand). Cytogenetic location: 3q23.
Variant type: single nucleotide variant.
Coding change: c.1123G>T on transcript NM_006506.5 (MANE Select); coding-DNA position 1123, G replaced by T.
Protein change: p.Val375Phe; replaces valine 375 with phenylalanine.
Molecular consequence: missense variant.
Genome position (GRCh38, 1-based): chr3:141,571,508, G>T. VCF-style: chr3-141571508-G-T. GRCh37 (hg19) VCF-style: chr3-141290350-G-T.
Other names: c.1123G>T, p.Val375Phe (NM_001303245.3, NM_001303246.3); short protein forms V375F.
Identifiers: ClinVar variation 1798494 (VCV001798494.3), dbSNP rs747036809, ClinGen allele CA2645422.
Genomic context (GRCh38, chr3:141,571,508, plus strand): 5'-CGAGATAAAAATGATGCTGTTTTGCCCCTTGTACGACTGCTGCTGCACCATGATAAACTT[G>T]TTCCTTTTGCCACTGCTGTGGCTGAATTAGACTTGAAGGATACACAGTAAGAGTTATATT-3'
Protein context (NP_006497.2, residues 365-385): VRLLLHHDKL[Val375Phe]PFATAVAELD

ClinVar aggregate classification (germline): Uncertain significance (1 of 4 stars; one submission).

Allele frequency attached by ClinVar (database versions not stated): TOPMed below 0.00001; ExAC 0.00001; gnomAD exomes 0.00001.
gnomAD v4.1: 3 of 1,612,666 alleles (0.00019%); highest among the groups gnomAD compares: Admixed American, 0.005%; no homozygotes.

Submission:

Ambry Genetics
Classification: Uncertain significance. Last evaluated: 2024-11-18. Review status: criteria provided, single submitter. Criteria: Ambry Variant Classification Scheme 2023. Collection method: clinical testing. Allele origin: germline.
Comment: The p.V375F variant (also known as c.1123G>T), located in coding exon 11 of the RASA2 gene, results from a G to T substitution at nucleotide position 1123. The valine at codon 375 is replaced by phenylalanine, an amino acid with highly similar properties. This amino acid position is conserved. In addition, the in silico prediction for this alteration is inconclusive. Since supporting evidence is limited at this time, the clinical significance of this alteration remains unclear.